The following is an entry in ClinVar:

ClinVar aggregate classification (germline): Uncertain significance (1 of 4 stars; one submission).

Allele frequency attached by ClinVar (database versions not stated): ExAC 0.00002; gnomAD exomes 0.00002; gnomAD 0.00003.
gnomAD v4.1: 39 of 1,614,066 alleles (0.0024%); highest among the groups gnomAD compares: Middle Eastern, 0.016%; no homozygotes.

Submission:

GeneDx
Classification: Uncertain significance. Last evaluated: 2022-03-10. Review status: criteria provided, single submitter. Criteria: GeneDx Variant Classification Process June 2021. Collection method: clinical testing. Allele origin: germline. Affected: yes.
Comment: Not observed at significant frequency in large population cohorts (gnomAD); In silico analysis supports that this missense variant does not alter protein structure/function; Has not been previously published as pathogenic or benign to our knowledge

NM_005559.4(LAMA1):c.8963G>A (p.Arg2988His)

Gene: LAMA1 (laminin subunit alpha 1; minus strand). Cytogenetic location: 18p11.31.
Variant type: single nucleotide variant.
Coding change: c.8963G>A on transcript NM_005559.4 (MANE Select); coding-DNA position 8963, G replaced by A.
Protein change: p.Arg2988His; replaces arginine 2988 with histidine.
Molecular consequence: missense variant.
Genome position (GRCh38, 1-based): chr18:6,943,284, C>T on the plus strand (G>A on the coding strand, the complement: LAMA1 is on the minus strand). VCF-style: chr18-6943284-C-T. GRCh37 (hg19) VCF-style: chr18-6943283-C-T.
Other names: short protein forms R2988H.
Identifiers: ClinVar variation 1704761 (VCV001704761.2), dbSNP rs546562151, ClinGen allele CA8880295.